The following is an entry in ClinVar:

ClinVar aggregate classification (germline): Uncertain significance. Review status: criteria provided, multiple submitters, no conflicts (2 of 4 stars). 2 submissions from 2 submitters: Uncertain significance (2). Last evaluated 2024-11-07.

Conditions:
Inborn genetic diseases. Identifiers: MedGen C0950123, MeSH D030342.
Congenital lactase deficiency. Also called: ALACTASIA, CONGENITAL; DISACCHARIDE INTOLERANCE II. Identifiers: Orphanet 53690, MedGen C0268179, MONDO:0009115, OMIM 223000.

Allele frequency attached by ClinVar (database versions not stated): gnomAD exomes below 0.00001; gnomAD 0.00002; TOPMed 0.00004.
gnomAD v4.1: 4 of 1,614,060 alleles (0.00025%); highest among the groups gnomAD compares: Admixed American, 0.0067%; no homozygotes.

Submissions (2):

Ambry Genetics
Classification: Uncertain significance for Inborn genetic diseases. Last evaluated: 2024-11-07. Review status: criteria provided, single submitter. Criteria: Ambry Variant Classification Scheme 2023. Collection method: clinical testing. Allele origin: germline.

Labcorp Genetics (formerly Invitae), Labcorp
Classification: Uncertain significance. Last evaluated: 2022-08-23. Review status: criteria provided, single submitter. Criteria: Invitae Variant Classification Sherloc (09022015). Collection method: clinical testing. Allele origin: germline.
Comment: This sequence change replaces glycine, which is neutral and non-polar, with serine, which is neutral and polar, at codon 1400 of the LCT protein (p.Gly1400Ser). This variant is present in population databases (no rsID available, gnomAD no frequency). This variant has not been reported in the literature in individuals affected with LCT-related conditions. ClinVar contains an entry for this variant (Variation ID: 1410995). Algorithms developed to predict the effect of missense changes on protein structure and function are either unavailable or do not agree on the potential impact of this missense change (SIFT: "Not Available"; PolyPhen-2: "Probably Damaging"; Align-GVGD: "Not Available"). In summary, the available evidence is currently insufficient to determine the role of this variant in disease. Therefore, it has been classified as a Variant of Uncertain Significance.

NM_002299.4(LCT):c.4198G>A (p.Gly1400Ser)

Gene: LCT (lactase; minus strand). Cytogenetic location: 2q21.3.
Variant type: single nucleotide variant.
Coding change: c.4198G>A on transcript NM_002299.4 (MANE Select); coding-DNA position 4198, G replaced by A.
Protein change: p.Gly1400Ser; replaces glycine 1400 with serine.
Molecular consequence: missense variant.
Genome position (GRCh38, 1-based): chr2:135,805,033, C>T on the plus strand (G>A on the coding strand, the complement: LCT is on the minus strand). VCF-style: chr2-135805033-C-T. GRCh37 (hg19) VCF-style: chr2-136562603-C-T.
Other names: c.4198G>A (NM_002299.2, NM_002299.3); short protein forms G1400S.
Identifiers: ClinVar variation 1410995 (VCV001410995.9), dbSNP rs988407821, ClinGen allele CA56609897.